The following is an entry in ClinVar:

ClinVar aggregate classification (germline): Uncertain significance. Review status: criteria provided, multiple submitters, no conflicts (2 of 4 stars). 3 submissions from 2 submitters: Uncertain significance (3). Last evaluated 2024-10-04.

Conditions:
Alzheimer disease 4 (AD4). Identifiers: Orphanet 1020, MedGen C1847200, MONDO:0011743, OMIM 606889.
Dilated cardiomyopathy 1V (CMD1V). Identifiers: Orphanet 154, MedGen C3150958, MONDO:0013373, OMIM 613697.

Allele frequency attached by ClinVar (database versions not stated): gnomAD exomes 0.00008 and 0.00014; gnomAD 0.00009; TOPMed 0.00010; ExAC 0.00014; ESP Exome Variant Server 0.00038.
gnomAD v4.1: 218 of 1,602,872 alleles (0.014%); highest among the groups gnomAD compares: Non-Finnish European, 0.017%; no homozygotes.

Submissions (3):

Women's Health and Genetics/Laboratory Corporation of America, LabCorp
Classification: Uncertain significance. Last evaluated: 2024-10-04. Review status: criteria provided, single submitter. Criteria: LabCorp Variant Classification Summary - May 2015. Collection method: clinical testing. Allele origin: germline.
Comment: Variant summary: PSEN2 c.*20G>A is located in the untranslated mRNA region downstream of the termination codon. The variant allele was found at a frequency of 7.8e-05 in 230620 control chromosomes. This frequency is not significantly higher than estimated for a pathogenic variant in PSEN2 causing Alzheimer Disease 4, allowing no conclusion about variant significance. To our knowledge, no occurrence of c.*20G>A in individuals affected with Alzheimer Disease 4 and no experimental evidence demonstrating its impact on protein function have been reported. ClinVar contains an entry for this variant (Variation ID: 295996). Based on the evidence outlined above, the variant was classified as uncertain significance.

Illumina Laboratory Services, Illumina
Classification: Uncertain significance for Dilated cardiomyopathy 1V. Last evaluated: 2018-01-12. Review status: criteria provided, single submitter. Criteria: ICSL Variant Classification Criteria 13 December 2019. Collection method: clinical testing. Allele origin: germline.

Illumina Laboratory Services, Illumina
Classification: Uncertain significance for Alzheimer disease 4. Last evaluated: 2018-01-12. Review status: criteria provided, single submitter. Criteria: ICSL Variant Classification Criteria 13 December 2019. Collection method: clinical testing. Allele origin: germline.

NM_000447.3(PSEN2):c.*20G>A

Gene: PSEN2 (presenilin 2; plus strand). Cytogenetic location: 1q42.13.
Variant type: single nucleotide variant.
Coding change: c.*20G>A on transcript NM_000447.3 (MANE Select); 20 bases downstream of the stop codon, G replaced by A.
Molecular consequence: 3 prime UTR variant.
Genome position (GRCh38, 1-based): chr1:226,895,599, G>A. VCF-style: chr1-226895599-G-A. GRCh37 (hg19) VCF-style: chr1-227083300-G-A.
Other names: c.*20G>A (NM_012486.3).
Identifiers: ClinVar variation 295996 (VCV000295996.6), dbSNP rs201399057, ClinGen allele CA1424884.